The following is an entry in ClinVar:

ClinVar aggregate classification (germline): Benign/Likely benign. Review status: criteria provided, multiple submitters, no conflicts (2 of 4 stars). 2 submissions from 2 submitters: Benign (1); Likely benign (1). Last evaluated 2025-03-12.

Conditions:
Hereditary cancer-predisposing syndrome. Also called: Neoplastic Syndromes, Hereditary; Tumor predisposition; Hereditary Cancer Syndrome; Hereditary neoplastic syndrome. Identifiers: Orphanet 140162, MedGen C0027672, MeSH D009386, MONDO:0015356.
Pheochromocytoma/paraganglioma syndrome 4. Also called: CAROTID BODY TUMORS AND MULTIPLE EXTRAADRENAL PHEOCHROMOCYTOMAS; PARAGANGLIOMA, FAMILIAL MALIGNANT; PARAGANGLIOMAS, HEREDITARY EXTRAADRENAL; PHEOCHROMOCYTOMA, FAMILIAL EXTRAADRENAL; Paragangliomas 4; SDHB-Related Hereditary Paraganglioma-Pheochromocytoma Syndrome (Paragangliomas 4). Identifiers: Orphanet 29072, MedGen C1861848, MONDO:0007273, OMIM 115310.

Submissions (2):

Myriad Genetics, Inc.
Classification: Benign for Pheochromocytoma/paraganglioma syndrome 4. Last evaluated: 2025-03-12. Review status: criteria provided, single submitter. Criteria: Myriad Autosomal Dominant, Autosomal Recessive and X-Linked Classification Criteria (2023). Collection method: clinical testing. Allele origin: unknown.
Comment: This variant is considered benign. This variant is a silent/synonymous amino acid change and it is not expected to impact splicing.

Ambry Genetics
Classification: Likely benign for Hereditary cancer-predisposing syndrome. Last evaluated: 2024-11-01. Review status: criteria provided, single submitter. Criteria: Ambry Variant Classification Scheme 2023. Collection method: clinical testing. Allele origin: germline.

NM_003000.3(SDHB):c.204T>C (p.Cys68=)

Gene: SDHB (succinate dehydrogenase complex iron sulfur subunit B; minus strand). Cytogenetic location: 1p36.13.
Variant type: single nucleotide variant.
Coding change: c.204T>C on transcript NM_003000.3 (MANE Select); coding-DNA position 204, T replaced by C.
Protein change: p.Cys68=; no amino-acid change (cysteine 68 retained).
Molecular consequence: synonymous variant.
Genome position (GRCh38, 1-based): chr1:17,033,142, A>G on the plus strand (T>C on the coding strand, the complement: SDHB is on the minus strand). VCF-style: chr1-17033142-A-G. GRCh37 (hg19) VCF-style: chr1-17359637-A-G.
Other names: c.204T>C, p.Cys68= (NM_001407361.1).
Identifiers: ClinVar variation 3438767 (VCV003438767.2).